The following is an entry in ClinVar:

ClinVar aggregate classification (germline): Uncertain significance (1 of 4 stars; one submission).

Submission:

Dasa
Classification: Uncertain significance. Last evaluated: 2026-01-29. Review status: criteria provided, single submitter. Criteria: DASA Assertion Criteria. Collection method: clinical testing. Allele origin: germline.
Comment: NM_001372044.2(SHANK3):c.3862C>T (p.His1288Tyr) is a missense variant that results in the substitution of histidine with tyrosine. This variant is rare in population databases. The currently available literature and clinical evidence are not sufficient to establish a definitive association between this variant and the reported condition. Therefore, this variant is classified as a variant of uncertain significance.

NM_001372044.2(SHANK3):c.3862C>T (p.His1288Tyr)

Gene: SHANK3 (SH3 and multiple ankyrin repeat domains 3; plus strand). Cytogenetic location: 22q13.33.
Variant type: single nucleotide variant.
Coding change: c.3862C>T on transcript NM_001372044.2 (MANE Select); coding-DNA position 3862, C replaced by T.
Protein change: p.His1288Tyr; replaces histidine 1288 with tyrosine.
Molecular consequence: missense variant.
Genome position (GRCh38, 1-based): chr22:50,721,470, C>T. VCF-style: chr22-50721470-C-T. GRCh37 (hg19) VCF-style: chr22-51159898-C-T.
Other names: short protein forms H1288Y.
Identifiers: ClinVar variation 4886207 (VCV004886207.2).
Genomic context (GRCh38, chr22:50,721,470, plus strand): 5'-TCCATGATCCTCAGCGTCCTGGACACATCCCTGCAGCGGCCAGCTGGCCTCATCGTTGTG[C>T]ACGCCACCAGCAACGGGCAGGAGCCCAGCAGGCTGGGGGGGGCCGAAGAGGAGCGCCCGG-3'
Protein context (NP_001358973.1, residues 1278-1298): LQRPAGLIVV[His1288Tyr]ATSNGQEPSR